The following is an entry in ClinVar:

NM_152703.5(SAMD9L):c.3521A>C (p.Asn1174Thr)

Gene: SAMD9L (sterile alpha motif domain containing 9 like; minus strand). Cytogenetic location: 7q21.2.
Variant type: single nucleotide variant.
Coding change: c.3521A>C on transcript NM_152703.5 (MANE Select); coding-DNA position 3521, A replaced by C.
Protein change: p.Asn1174Thr; replaces asparagine 1174 with threonine.
Molecular consequence: missense variant.
Genome position (GRCh38, 1-based): chr7:93,132,451, T>G on the plus strand (A>C on the coding strand, the complement: SAMD9L is on the minus strand). VCF-style: chr7-93132451-T-G. GRCh37 (hg19) VCF-style: chr7-92761764-T-G.
Other names: c.3521A>C, p.Asn1174Thr (NM_001303496.3, NM_001303497.3, NM_001303498.3 and 5 more transcripts); c.3521A>C (NM_152703.2); short protein forms N1174T.
Identifiers: ClinVar variation 1426439 (VCV001426439.8), dbSNP rs372585467, ClinGen allele CA4343442.
Genomic context (GRCh38, chr7:93,132,451, plus strand): 5'-GTGTTATACATGTCATATCGTCTCTGGGACTTCTGTGGTGACCAGTTCTCGGTTTCATAG[T>G]TTTTACTATCAGTTTGCCTTTGGGATTCTTTGAAAGCTCTTGAGGCTTTTTCCGCAGCTT-3'
Protein context (NP_689916.2, residues 1164-1184): KESQRQTDSK[Asn1174Thr]YETENWSPQK

ClinVar aggregate classification (germline): Uncertain significance. Review status: criteria provided, multiple submitters, no conflicts (2 of 4 stars). 2 submissions from 2 submitters: Uncertain significance (2). Last evaluated 2025-08-28.

Conditions:
Inborn genetic diseases. Identifiers: MedGen C0950123, MeSH D030342.

Allele frequency attached by ClinVar (database versions not stated): gnomAD exomes below 0.00001 and 0.00001; ExAC 0.00001; gnomAD 0.00001; TOPMed 0.00001; ESP Exome Variant Server 0.00008.
gnomAD v4.1: 15 of 1,613,298 alleles (0.00093%); highest among the groups gnomAD compares: Non-Finnish European, 0.0013%; 1 homozygote.

Submissions (2):

Labcorp Genetics (formerly Invitae), Labcorp
Classification: Uncertain significance. Last evaluated: 2025-08-28. Review status: criteria provided, single submitter. Criteria: Invitae Variant Classification Sherloc (09022015). Collection method: clinical testing. Allele origin: germline.
Comment: This sequence change replaces asparagine, which is neutral and polar, with threonine, which is neutral and polar, at codon 1174 of the SAMD9L protein (p.Asn1174Thr). This variant is present in population databases (rs372585467, gnomAD 0.002%). This variant has not been reported in the literature in individuals affected with SAMD9L-related conditions. ClinVar contains an entry for this variant (Variation ID: 1426439). An algorithm developed to predict the effect of missense changes on protein structure and function (PolyPhen-2) suggests that this variant is likely to be tolerated. In summary, the available evidence is currently insufficient to determine the role of this variant in disease. Therefore, it has been classified as a Variant of Uncertain Significance.

Ambry Genetics
Classification: Uncertain significance for Inborn genetic diseases. Last evaluated: 2025-03-16. Review status: criteria provided, single submitter. Criteria: Ambry Variant Classification Scheme 2023. Collection method: clinical testing. Allele origin: germline.